The following is an entry in ClinVar:

ClinVar aggregate classification (germline): Uncertain significance (1 of 4 stars; one submission).

Conditions:
Tubulointerstitial kidney disease, autosomal dominant, 2 (ADTKD2). Also called: Autosomal Dominant Tubulointerstitial Kidney Disease – MUC1; MEDULLARY CYSTIC KIDNEY DISEASE, AUTOSOMAL DOMINANT; POLYCYSTIC KIDNEYS, MEDULLARY TYPE; Medullary cystic kidney disease 1. Identifiers: Orphanet 34149, Orphanet 88949, MedGen C1868139, MONDO:0020726, OMIM 174000.

Submission:

3billion
Classification: Uncertain significance for Tubulointerstitial kidney disease, autosomal dominant, 2. Last evaluated: 2026-01-21. Review status: criteria provided, single submitter. Criteria: ACMG Guidelines, 2015. Collection method: clinical testing. Allele origin: germline. Affected: yes.
Comment: The variant is not observed in the gnomAD v4.1.0 dataset. Predicted Consequence/Location: Inframe deletion located in a nonrepeat region: predicted to change the length of the protein and disrupt normal protein function. None, the evidence of pathogenicity is insufficient at this time Therefore, this variant is classified as VUS according to the recommendation of ACMG/AMP guideline.

NM_001371720.2(MUC1):c.2615_2644del (p.Asp872_Pro881del)

Gene: MUC1 (mucin 1, cell surface associated; minus strand). Cytogenetic location: 1q22.
Variant type: Deletion.
Coding change: c.2615_2644del on transcript NM_001371720.2; coding-DNA positions 2615 to 2644, 30 bases deleted (ACACCAGGCGGGCCCCGGGCTCCACCCCGG).
Protein change: p.Asp872_Pro881del.
Molecular consequence: inframe deletion. On other transcripts: intron variant (20).
Genome position (GRCh38, 1-based): chr1:155,188,672-155,188,701, CCGGGGTGGAGCCCGGGGCCCGCCTGGTGT deleted on the plus strand (ACACCAGGCGGGCCCCGGGCTCCACCCCGG on the coding strand, the reverse complement: MUC1 is on the minus strand); deleting any 30 consecutive bases within chr1:155,188,672-155,188,707 gives the same sequence; the c. name uses the placement nearest the transcript's 3' end. VCF-style (leftmost placement, unchanged base first): chr1-155188671-GCCGGGGTGGAGCCCGGGGCCCGCCTGGTGT-G. GRCh37 (hg19) VCF-style: chr1-155161147-GCCGGGGTGGAGCCCGGGGCCCGCCTGGTGT-G.
Other names: c.187-638_187-609del (NM_001204291.1); c.187-489_187-460del (NM_001204292.1, NM_001204296.2); c.160-489_160-460del (NM_001044390.3, NM_001204294.2, NM_001044393.3); c.160-470_160-441del (NM_001044391.3, NM_001018017.3); c.187-470_187-441del (NM_001044392.3, NM_001204288.2, NM_001018016.3 and 1 more transcripts); c.462-85_462-56del (NM_001204286.1); c.124-647_124-618del (NM_001204290.2); c.160-416_160-387del (NM_001204293.2, NM_002456.6); and 3 more.
Identifiers: ClinVar variation 4855174 (VCV004855174.1).